The following is an entry in ClinVar:

ClinVar aggregate classification (germline): Uncertain significance. Review status: criteria provided, multiple submitters, no conflicts (2 of 4 stars). 2 submissions from 2 submitters: Uncertain significance (2). Last evaluated 2024-12-19.

Conditions:
Glycogen storage disease IXa1. Also called: GLYCOGEN STORAGE DISEASE VIII; GSD VIII; LIVER GLYCOGENOSIS, X-LINKED, TYPE I; Glycogen storage disease 8. Identifiers: Orphanet 264580, MedGen C3694531, MONDO:0010598, OMIM 306000.

gnomAD v4.1: 1 of 1,204,716 alleles (0.000083%); highest among the groups gnomAD compares: Non-Finnish European, 0.00011%; no homozygotes.

Submissions (2):

Women's Health and Genetics/Laboratory Corporation of America, LabCorp
Classification: Uncertain significance. Last evaluated: 2024-12-19. Review status: criteria provided, single submitter. Criteria: LabCorp Variant Classification Summary - May 2015. Collection method: clinical testing. Allele origin: germline.
Comment: Variant summary: PHKA2 c.2600C>T (p.Pro867Leu) results in a non-conservative amino acid change located in the GH15-like domain (IPR011613) of the encoded protein sequence. Five of five in-silico tools predict a damaging effect of the variant on protein function. Consensus agreement among computation tools predict no significant impact on normal splicing. However, these predictions have yet to be confirmed by functional studies. The variant was absent in 183524 control chromosomes (gnomAD). The available data on variant occurrences in the general population are insufficient to allow any conclusion about variant significance. c.2600C>T has been reported in the literature in individuals affected with Glycogen Phosphorylase Kinase Deficiency (Brown_2014). These reports do not provide unequivocal conclusions about association of the variant with Glycogen Phosphorylase Kinase Deficiency. To our knowledge, no experimental evidence demonstrating an impact on protein function has been reported. The following publication have been ascertained in the context of this evaluation (PMID: 25070466). ClinVar contains an entry for this variant (Variation ID: 2138483). Based on the evidence outlined above, the variant was classified as uncertain significance.

Labcorp Genetics (formerly Invitae), Labcorp
Classification: Uncertain significance for Glycogen storage disease IXa1. Last evaluated: 2022-11-30. Review status: criteria provided, single submitter. Criteria: Invitae Variant Classification Sherloc (09022015). Collection method: clinical testing. Allele origin: germline.
Comment: In summary, the available evidence is currently insufficient to determine the role of this variant in disease. Therefore, it has been classified as a Variant of Uncertain Significance. Algorithms developed to predict the effect of missense changes on protein structure and function (SIFT, PolyPhen-2, Align-GVGD) all suggest that this variant is likely to be disruptive. This sequence change replaces proline, which is neutral and non-polar, with leucine, which is neutral and non-polar, at codon 867 of the PHKA2 protein (p.Pro867Leu). This variant is not present in population databases (gnomAD no frequency). This missense change has been observed in individuals with clinical features of X-linked recessive glycogen storage disease type IXa and/or glycogen storage disease (PMID: 25070466; Invitae; external communication).

Literature cited by the submitters: PubMed 25070466 (cited by Women's Health and Genetics/Laboratory Corporation of America, LabCorp and Labcorp Genetics (formerly Invitae), Labcorp).

NM_000292.3(PHKA2):c.2600C>T (p.Pro867Leu)

Gene: PHKA2 (phosphorylase kinase regulatory subunit alpha 2; minus strand). Cytogenetic location: Xp22.13.
Variant type: single nucleotide variant.
Coding change: c.2600C>T on transcript NM_000292.3 (MANE Select); coding-DNA position 2600, C replaced by T.
Protein change: p.Pro867Leu; replaces proline 867 with leucine.
Molecular consequence: missense variant.
Genome position (GRCh38, 1-based): chrX:18,906,812, G>A on the plus strand (C>T on the coding strand, the complement: PHKA2 is on the minus strand). VCF-style: chrX-18906812-G-A. GRCh37 (hg19) VCF-style: chrX-18924930-G-A.
Other names: short protein forms P867L.
Identifiers: ClinVar variation 2138483 (VCV002138483.5), dbSNP rs2518603951, ClinGen allele CA412382994.